The following is an entry in ClinVar:

NM_004752.4(GCM2):c.1127C>G (p.Ala376Gly)

Gene: GCM2 (glial cells missing transcription factor 2; minus strand). Cytogenetic location: 6p24.2.
Variant type: single nucleotide variant.
Coding change: c.1127C>G on transcript NM_004752.4 (MANE Select); coding-DNA position 1127, C replaced by G.
Protein change: p.Ala376Gly; replaces alanine 376 with glycine.
Molecular consequence: missense variant.
Genome position (GRCh38, 1-based): chr6:10,874,389, G>C on the plus strand (C>G on the coding strand, the complement: GCM2 is on the minus strand). VCF-style: chr6-10874389-G-C. GRCh37 (hg19) VCF-style: chr6-10874622-G-C.
Other names: short protein forms A376G.
Identifiers: ClinVar variation 3657409 (VCV003657409.2).

ClinVar aggregate classification (germline): Uncertain significance (1 of 4 stars; one submission).

gnomAD v4.1: 1 of 1,614,216 alleles (0.000062%); highest among the groups gnomAD compares: Non-Finnish European, 0.000085%; no homozygotes.

Submission:

Labcorp Genetics (formerly Invitae), Labcorp
Classification: Uncertain significance. Last evaluated: 2024-07-15. Review status: criteria provided, single submitter. Criteria: Invitae Variant Classification Sherloc (09022015). Collection method: clinical testing. Allele origin: germline.
Comment: This sequence change replaces alanine, which is neutral and non-polar, with glycine, which is neutral and non-polar, at codon 376 of the GCM2 protein (p.Ala376Gly). This variant is not present in population databases (gnomAD no frequency). This variant has not been reported in the literature in individuals affected with GCM2-related conditions. Advanced modeling of protein sequence and biophysical properties (such as structural, functional, and spatial information, amino acid conservation, physicochemical variation, residue mobility, and thermodynamic stability) performed at Invitae indicates that this missense variant is not expected to disrupt GCM2 protein function with a negative predictive value of 80%. In summary, the available evidence is currently insufficient to determine the role of this variant in disease. Therefore, it has been classified as a Variant of Uncertain Significance.